The following is an entry in ClinVar:

NM_182972.3(IRF2BP2):c.334C>A (p.Gln112Lys)

Genes: IRF2BP2 (interferon regulatory factor 2 binding protein 2; minus strand), LOC129932812 (ATAC-STARR-seq lymphoblastoid silent region 1977; plus strand). Cytogenetic location: 1q42.3.
Variant type: single nucleotide variant.
Coding change: c.334C>A on transcript NM_182972.3 (MANE Select); coding-DNA position 334, C replaced by A.
Protein change: p.Gln112Lys; replaces glutamine 112 with lysine.
Molecular consequence: missense variant.
Genome position (GRCh38, 1-based): chr1:234,609,161, G>T on the plus strand (C>A on the coding strand, the complement: IRF2BP2 is on the minus strand). VCF-style: chr1-234609161-G-T. GRCh37 (hg19) VCF-style: chr1-234744907-G-T.
Other names: c.334C>A, p.Gln112Lys (NM_001077397.1); short protein forms Q112K.
Identifiers: ClinVar variation 1489128 (VCV001489128.6), dbSNP rs1370748736, ClinGen allele CA345311098.

ClinVar aggregate classification (germline): Uncertain significance (1 of 4 stars; one submission).

gnomAD v4.1: 1 of 1,272,620 alleles (0.000079%); highest among the groups gnomAD compares: Non-Finnish European, 0.000099%; no homozygotes.

Submission:

Labcorp Genetics (formerly Invitae), Labcorp
Classification: Uncertain significance. Last evaluated: 2021-09-07. Review status: criteria provided, single submitter. Criteria: Invitae Variant Classification Sherloc (09022015). Collection method: clinical testing. Allele origin: germline.
Comment: This sequence change replaces glutamine with lysine at codon 112 of the IRF2BP2 protein (p.Gln112Lys). The glutamine residue is moderately conserved and there is a small physicochemical difference between glutamine and lysine. The frequency data for this variant in the population databases is considered unreliable, as metrics indicate insufficient coverage at this position in the ExAC database. This variant has not been reported in the literature in individuals affected with IRF2BP2-related conditions. Algorithms developed to predict the effect of missense changes on protein structure and function are either unavailable or do not agree on the potential impact of this missense change (SIFT: "Deleterious"; PolyPhen-2: "Benign"; Align-GVGD: "Class C0"). In summary, the available evidence is currently insufficient to determine the role of this variant in disease. Therefore, it has been classified as a Variant of Uncertain Significance.